The following is an entry in ClinVar:

NM_003680.4(YARS1):c.1385C>G (p.Ala462Gly)

Gene: YARS1 (tyrosyl-tRNA synthetase 1; minus strand). Cytogenetic location: 1p35.1.
Variant type: single nucleotide variant.
Coding change: c.1385C>G on transcript NM_003680.4 (MANE Select); coding-DNA position 1385, C replaced by G.
Protein change: p.Ala462Gly; replaces alanine 462 with glycine.
Molecular consequence: missense variant.
Genome position (GRCh38, 1-based): chr1:32,779,473, G>C on the plus strand (C>G on the coding strand, the complement: YARS1 is on the minus strand). VCF-style: chr1-32779473-G-C. GRCh37 (hg19) VCF-style: chr1-33245074-G-C.
Other names: short protein forms A462G.
Identifiers: ClinVar variation 2036129 (VCV002036129.4), dbSNP rs2523349397, ClinGen allele CA339680671.

ClinVar aggregate classification (germline): Uncertain significance (1 of 4 stars; one submission).

Conditions:
Charcot-Marie-Tooth disease dominant intermediate C (CMTDIC). Also called: CHARCOT-MARIE-TOOTH NEUROPATHY, DOMINANT INTERMEDIATE C. Identifiers: Orphanet 100045, MedGen C1842237, MONDO:0012012, OMIM 608323.

Submission:

Labcorp Genetics (formerly Invitae), Labcorp
Classification: Uncertain significance for Charcot-Marie-Tooth disease dominant intermediate C. Last evaluated: 2022-10-19. Review status: criteria provided, single submitter. Criteria: Invitae Variant Classification Sherloc (09022015). Collection method: clinical testing. Allele origin: germline.
Comment: In summary, the available evidence is currently insufficient to determine the role of this variant in disease. Therefore, it has been classified as a Variant of Uncertain Significance. Advanced modeling of protein sequence and biophysical properties (such as structural, functional, and spatial information, amino acid conservation, physicochemical variation, residue mobility, and thermodynamic stability) performed at Invitae indicates that this missense variant is not expected to disrupt YARS protein function. This variant has not been reported in the literature in individuals affected with YARS-related conditions. This variant is not present in population databases (gnomAD no frequency). This sequence change replaces alanine, which is neutral and non-polar, with glycine, which is neutral and non-polar, at codon 462 of the YARS protein (p.Ala462Gly).